The following is an entry in ClinVar:

ClinVar aggregate classification (germline): Conflicting classifications of pathogenicity. Review status: criteria provided, conflicting classifications (1 of 4 stars). 7 submissions from 7 submitters: Pathogenic (1); Likely pathogenic (1); Uncertain significance (4). 1 of the submissions does not count toward it. Last evaluated 2025-09-08.

Conditions:
Catecholaminergic polymorphic ventricular tachycardia 1. Also called: RYR2-Related Catecholaminergic Polymorphic Ventricular Tachycardia; VENTRICULAR TACHYCARDIA, STRESS-INDUCED POLYMORPHIC 1; VENTRICULAR TACHYCARDIA, CATECHOLAMINERGIC POLYMORPHIC, 1, WITH OR WITHOUT ATRIAL DYSFUNCTION AND/OR DILATED CARDIOMYOPATHY. Identifiers: Orphanet 3286, MedGen C1631597, MONDO:0011484, OMIM 604772.
Cardiovascular phenotype. Identifiers: MedGen CN230736.
Catecholaminergic polymorphic ventricular tachycardia 5 (CARDAR). Also called: Ventricular tachycardia, catecholaminergic polymorphic, 5, with or without muscle weakness; CARDIAC ARRHYTHMIA SYNDROME, WITH OR WITHOUT SKELETAL MUSCLE WEAKNESS. Identifiers: Orphanet 3286, MedGen C3809536, MONDO:0014191, OMIM 615441.

Allele frequency attached by ClinVar (database versions not stated): gnomAD 0.00016; TOPMed 0.00034; ESP Exome Variant Server 0.00068.
gnomAD v4.1: 520 of 1,612,400 alleles (0.032%); highest among the groups gnomAD compares: Non-Finnish European, 0.04%; 1 homozygote.

Submissions (7):

Women's Health and Genetics/Laboratory Corporation of America, LabCorp
Classification: Pathogenic for Catecholaminergic polymorphic ventricular tachycardia 1. Last evaluated: 2025-09-08. Review status: criteria provided, single submitter. Criteria: LabCorp Variant Classification Summary - May 2015. Collection method: clinical testing. Allele origin: germline.
Comment: Variant summary: TRDN c.1282C>T (p.Arg428X) results in a premature termination codon, predicted to cause a truncation of the encoded protein or absence of the protein due to nonsense mediated decay, which are commonly known mechanisms for disease. The variant allele was found at a frequency of 0.00013 in 248510 control chromosomes (gnomAD). This frequency is not significantly higher than estimated for disease-causing variants in TRDN, allowing no conclusion about variant significance. c.1282C>T has been observed in at least one individual affected with Catecholaminergic Polymorphic Ventricular Tachycardia (Hou_2020). To our knowledge, no experimental evidence demonstrating an impact on protein function has been reported. The following publications have been ascertained in the context of this evaluation (PMID: 31980526, 31847883). ClinVar contains an entry for this variant (Variation ID: 532333). Based on the evidence outlined above, the variant was classified as pathogenic.

Ambry Genetics
Classification: Uncertain significance for Cardiovascular phenotype. Last evaluated: 2025-08-25. Review status: criteria provided, single submitter. Criteria: Ambry Variant Classification Scheme 2023. Collection method: clinical testing. Allele origin: germline.
Comment: The p.R428* variant (also known as c.1282C>T), located in coding exon 20 of the TRDN gene, results from a C to T substitution at nucleotide position 1282. This changes the amino acid from an arginine to a stop codon within coding exon 20. This variant has been detected in the heterozygous state on exome sequencing in a case with infantile seizures (Salfati EL et al. Genome Med, 2019 12;11:83). This alteration is expected to result in loss of function by premature protein truncation or nonsense-mediated mRNA decay. However, this alteration does not impact the predominant cardiac isoform of TRDN (NM_001256021.1; Kobayashi YM et al. J. Biol. Chem., 1999 Oct;274:28660-8). Based on the available evidence, the clinical significance of this variant remains unclear.

Labcorp Genetics (formerly Invitae), Labcorp
Classification: Uncertain significance for Catecholaminergic polymorphic ventricular tachycardia 1. Last evaluated: 2024-01-15. Review status: criteria provided, single submitter. Criteria: Invitae Variant Classification Sherloc (09022015). Collection method: clinical testing. Allele origin: germline.
Comment: This sequence change creates a premature translational stop signal (p.Arg428*) in the TRDN gene. However, it is currently unclear if variants that occur in this region of the gene cause disease. This variant is present in population databases (rs202219343, gnomAD 0.02%). This variant has not been reported in the literature in individuals affected with TRDN-related conditions. ClinVar contains an entry for this variant (Variation ID: 532333). In summary, the available evidence is currently insufficient to determine the role of this variant in disease. Therefore, it has been classified as a Variant of Uncertain Significance.

CeGaT Center for Human Genetics Tuebingen
Classification: Uncertain significance. Last evaluated: 2023-12-01. Review status: criteria provided, single submitter. Criteria: CeGaT Center For Human Genetics Tuebingen Variant Classification Criteria Version 2. Collection method: clinical testing. Allele origin: germline. Affected: yes. Observed: 1 variant allele.
Comment: TRDN: PM2

Revvity Omics, Revvity
Classification: Likely pathogenic for Catecholaminergic polymorphic ventricular tachycardia 5. Last evaluated: 2022-12-21. Review status: criteria provided, single submitter. Criteria: ACMG Guidelines, 2015. Collection method: clinical testing. Allele origin: germline.

GeneDx
Classification: Uncertain significance. Last evaluated: 2022-08-05. Review status: criteria provided, single submitter. Criteria: GeneDx Variant Classification Process June 2021. Collection method: clinical testing. Allele origin: germline. Affected: yes.
Comment: Has not been previously published in association with a TRDN-related disorder to our knowledge; Nonsense variant predicted to result in protein truncation or nonsense mediated decay in a gene for which loss-of-function is a not a known mechanism of disease; This variant is associated with the following publications: (PMID: 31589614, 31980526)

AiLife Diagnostics
Classification: Likely pathogenic. Last evaluated: 2022-02-22. Review status: flagged submission. Criteria: ACMG Guidelines, 2015. Collection method: clinical testing. Allele origin: germline. Affected: yes. Observed: 7 variant alleles. Not counted in ClinVar's aggregate classification.
ClinVar note: Notes: This variant occurs in exons 9-41 of the MANE Select NM_006073.4 transcript but no valid P/LP variants have been reported due to the predominant transcript in cardiac tissue being one with only 8 exons (NM_001256021.1). Please provide evidence to support this claim.
ClinVar note: Reason: Claim with insufficient supporting evidence

Literature cited by the submitters: PubMed 31980526 (cited by Women's Health and Genetics/Laboratory Corporation of America, LabCorp and AiLife Diagnostics); PubMed 31847883 (cited by Women's Health and Genetics/Laboratory Corporation of America, LabCorp and Ambry Genetics); PubMed 31589614 (cited by AiLife Diagnostics).

NM_006073.4(TRDN):c.1282C>T (p.Arg428Ter)

Gene: TRDN (triadin; minus strand). Cytogenetic location: 6q22.31.
Variant type: single nucleotide variant.
Coding change: c.1282C>T on transcript NM_006073.4 (MANE Select); coding-DNA position 1282, C replaced by T.
Protein change: p.Arg428Ter; replaces arginine 428 with a stop codon.
Molecular consequence: nonsense.
Genome position (GRCh38, 1-based): chr6:123,366,174, G>A on the plus strand (C>T on the coding strand, the complement: TRDN is on the minus strand). VCF-style: chr6-123366174-G-A. GRCh37 (hg19) VCF-style: chr6-123687319-G-A.
Other names: c.1285C>T, p.Arg429Ter (NM_001251987.2); short protein forms R428*, R429*.
Identifiers: ClinVar variation 532333 (VCV000532333.77), dbSNP rs202219343, ClinGen allele CA3984019.